The following is an entry in ClinVar:

NM_001276270.2(MBD4):c.665A>T (p.Asp222Val)

Gene: MBD4 (methyl-CpG binding domain 4, DNA glycosylase; minus strand). Cytogenetic location: 3q21.3.
Variant type: single nucleotide variant.
Coding change: c.665A>T on transcript NM_001276270.2 (MANE Select); coding-DNA position 665, A replaced by T.
Protein change: p.Asp222Val; replaces aspartic acid 222 with valine.
Molecular consequence: missense variant. On other transcripts: intron variant (1).
Genome position (GRCh38, 1-based): chr3:129,436,979, T>A on the plus strand (A>T on the coding strand, the complement: MBD4 is on the minus strand). VCF-style: chr3-129436979-T-A. GRCh37 (hg19) VCF-style: chr3-129155822-T-A.
Other names: c.665A>T, p.Asp222Val (NM_001276271.2, NM_001276272.2, NM_003925.3); c.247+829A>T (NM_001276273.2); short protein forms D222V.
Identifiers: ClinVar variation 2900708 (VCV002900708.4), dbSNP rs780747376, ClinGen allele CA2605491.

ClinVar aggregate classification (germline): Uncertain significance. Review status: criteria provided, multiple submitters, no conflicts (2 of 4 stars). 2 submissions from 2 submitters: Uncertain significance (2). Last evaluated 2025-10-29.

Conditions:
Inborn genetic diseases. Identifiers: MedGen C0950123, MeSH D030342.

gnomAD v4.1: 3 of 1,614,212 alleles (0.00019%); highest among the groups gnomAD compares: South Asian, 0.0033%; no homozygotes.

Submissions (2):

Labcorp Genetics (formerly Invitae), Labcorp
Classification: Uncertain significance. Last evaluated: 2025-10-29. Review status: criteria provided, single submitter. Criteria: Invitae Variant Classification Sherloc (09022015). Collection method: clinical testing. Allele origin: germline.
Comment: This sequence change replaces aspartic acid, which is acidic and polar, with valine, which is neutral and non-polar, at codon 222 of the MBD4 protein (p.Asp222Val). This variant is present in population databases (rs780747376, gnomAD 0.003%). This variant has not been reported in the literature in individuals affected with MBD4-related conditions. ClinVar contains an entry for this variant (Variation ID: 2900708). An algorithm developed to predict the effect of missense changes on protein structure and function outputs the following: PolyPhen-2: "Benign". The valine amino acid residue is found in multiple mammalian species, which suggests that this missense change does not adversely affect protein function. In summary, the available evidence is currently insufficient to determine the role of this variant in disease. Therefore, it has been classified as a Variant of Uncertain Significance.

Ambry Genetics
Classification: Uncertain significance for Inborn genetic diseases. Last evaluated: 2024-12-04. Review status: criteria provided, single submitter. Criteria: Ambry Variant Classification Scheme 2023. Collection method: clinical testing. Allele origin: germline.
Comment: The p.D222V variant (also known as c.665A>T), located in coding exon 3 of the MBD4 gene, results from an A to T substitution at nucleotide position 665. The aspartic acid at codon 222 is replaced by valine, an amino acid with highly dissimilar properties. This amino acid position is conserved. In addition, the in silico prediction for this alteration is inconclusive. Based on the available evidence, the clinical significance of this variant remains unclear.